The following is an entry in ClinVar:

ClinVar aggregate classification (germline): Uncertain significance. Review status: criteria provided, multiple submitters, no conflicts (2 of 4 stars). 3 submissions from 3 submitters: Uncertain significance (3). Last evaluated 2023-11-02.

Conditions:
Hereditary cancer-predisposing syndrome. Also called: Neoplastic Syndromes, Hereditary; Hereditary neoplastic syndrome; Tumor predisposition; Hereditary Cancer Syndrome. Identifiers: Orphanet 140162, MedGen C0027672, MeSH D009386, MONDO:0015356.
Familial cancer of breast. Also called: hereditary breast carcinoma; Hereditary breast cancer; BREAST CANCER, FAMILIAL. Identifiers: Orphanet 227535, MedGen C0346153, MONDO:0016419, OMIM 114480. Disease mechanism: loss of function.
Ataxia-telangiectasia syndrome (AT). Also called: Ataxia telangiectasia (A-T); Cerebello-oculocutaneous telangiectasia; Immunodeficiency with ataxia telangiectasia; LOUIS-BAR SYNDROME; AT, COMPLEMENTATION GROUP C; ATAXIA-TELANGIECTASIA, FRESNO VARIANT. Identifiers: Orphanet 100, MedGen C0004135, MONDO:0008840, OMIM 208900.

Submissions (3):

Baylor Genetics
Classification: Uncertain significance for Familial cancer of breast. Last evaluated: 2023-11-02. Review status: criteria provided, single submitter. Criteria: ACMG Guidelines, 2015. Collection method: clinical testing. Allele origin: unknown.

Ambry Genetics
Classification: Uncertain significance for Hereditary cancer-predisposing syndrome. Last evaluated: 2023-08-29. Review status: criteria provided, single submitter. Criteria: Ambry Variant Classification Scheme 2023. Collection method: clinical testing. Allele origin: germline.
Comment: The p.H2887R variant (also known as c.8660A>G), located in coding exon 58 of the ATM gene, results from an A to G substitution at nucleotide position 8660. The histidine at codon 2887 is replaced by arginine, an amino acid with highly similar properties. This amino acid position is highly conserved in available vertebrate species. In addition, this alteration is predicted to be deleterious by in silico analysis. Since supporting evidence is limited at this time, the clinical significance of this alteration remains unclear.

Labcorp Genetics (formerly Invitae), Labcorp
Classification: Uncertain significance for Ataxia-telangiectasia syndrome. Last evaluated: 2023-04-11. Review status: criteria provided, single submitter. Criteria: Invitae Variant Classification Sherloc (09022015). Collection method: clinical testing. Allele origin: germline.
Comment: An algorithm developed to predict the effect of missense changes on protein structure and function (PolyPhen-2) suggests that this variant is likely to be disruptive. This sequence change replaces histidine, which is basic and polar, with arginine, which is basic and polar, at codon 2887 of the ATM protein (p.His2887Arg). This variant is not present in population databases (gnomAD no frequency). This variant has not been reported in the literature in individuals affected with ATM-related conditions. ClinVar contains an entry for this variant (Variation ID: 231581). In summary, the available evidence is currently insufficient to determine the role of this variant in disease. Therefore, it has been classified as a Variant of Uncertain Significance.

NM_000051.4(ATM):c.8660A>G (p.His2887Arg)

Genes: ATM (ATM serine/threonine kinase; plus strand), C11orf65 (chromosome 11 open reading frame 65; minus strand). Cytogenetic location: 11q22.3.
Variant type: single nucleotide variant.
Coding change: c.8660A>G on transcript NM_000051.4 (MANE Select); coding-DNA position 8660, A replaced by G.
Protein change: p.His2887Arg; replaces histidine 2887 with arginine.
Molecular consequence: missense variant. On other transcripts: intron variant (2).
Genome position (GRCh38, 1-based): chr11:108,347,354, A>G. VCF-style: chr11-108347354-A-G. GRCh37 (hg19) VCF-style: chr11-108218081-A-G.
Other names: c.8660A>G, p.His2887Arg (NM_001351834.2); c.641-38283T>C (NM_001330368.2); c.695-12062T>C (NM_001351110.2); short protein forms H2887R.
Identifiers: ClinVar variation 231581 (VCV000231581.14), dbSNP rs864622173, ClinGen allele CA10579311.